The following is an entry in ClinVar:

ClinVar aggregate classification (germline): Conflicting classifications of pathogenicity. Review status: criteria provided, conflicting classifications (1 of 4 stars). 2 submissions from 2 submitters: Uncertain significance (1); Likely benign (1). Last evaluated 2024-11-06.

Allele frequency attached by ClinVar (database versions not stated): gnomAD 0.00005; TOPMed 0.00007; 1000 Genomes Project 30x 0.00016.
gnomAD v4.1: 33 of 1,587,994 alleles (0.0021%); highest among the groups gnomAD compares: African/African-American, 0.017%; no homozygotes.

Submissions (2):

Labcorp Genetics (formerly Invitae), Labcorp
Classification: Uncertain significance. Last evaluated: 2024-11-06. Review status: criteria provided, single submitter. Criteria: Invitae Variant Classification Sherloc (09022015). Collection method: clinical testing. Allele origin: germline.
Comment: This sequence change replaces alanine, which is neutral and non-polar, with threonine, which is neutral and polar, at codon 424 of the IFNAR1 protein (p.Ala424Thr). This variant is present in population databases (rs541858922, gnomAD 0.02%). This variant has not been reported in the literature in individuals affected with IFNAR1-related conditions. ClinVar contains an entry for this variant (Variation ID: 1010898). An algorithm developed to predict the effect of missense changes on protein structure and function outputs the following: PolyPhen-2: "Benign". The threonine amino acid residue is found in multiple mammalian species, which suggests that this missense change does not adversely affect protein function. In summary, the available evidence is currently insufficient to determine the role of this variant in disease. Therefore, it has been classified as a Variant of Uncertain Significance.

Ambry Genetics
Classification: Likely benign. Last evaluated: 2023-06-29. Review status: criteria provided, single submitter. Criteria: Ambry Variant Classification Scheme 2023. Collection method: clinical testing. Allele origin: germline.

NM_000629.3(IFNAR1):c.1270G>A (p.Ala424Thr)

Gene: IFNAR1 (interferon alpha and beta receptor subunit 1; plus strand). Cytogenetic location: 21q22.11.
Variant type: single nucleotide variant.
Coding change: c.1270G>A on transcript NM_000629.3 (MANE Select); coding-DNA position 1270, G replaced by A.
Protein change: p.Ala424Thr; replaces alanine 424 with threonine.
Molecular consequence: missense variant.
Genome position (GRCh38, 1-based): chr21:33,352,884, G>A. VCF-style: chr21-33352884-G-A. GRCh37 (hg19) VCF-style: chr21-34725190-G-A.
Other names: c.1270G>A, p.Ala424Thr (NM_001384498.1, NM_001384499.1, NM_001384503.1); c.508G>A, p.Ala170Thr (NM_001384500.1); c.1255G>A, p.Ala419Thr (NM_001384501.1); c.808G>A, p.Ala270Thr (NM_001384502.1); c.1063G>A, p.Ala355Thr (NM_001384504.1); c.1270G>A (NM_000629.2); short protein forms A170T, A270T, A355T, A419T, A424T.
Identifiers: ClinVar variation 1010898 (VCV001010898.7), dbSNP rs541858922, ClinGen allele CA10006708.